The following is an entry in ClinVar:

ClinVar aggregate classification (germline): Uncertain significance (1 of 4 stars; one submission).

Conditions:
Autosomal recessive polycystic kidney disease (ARPKD). Also called: AR polycystic kidney disease. Identifiers: Orphanet 731, Orphanet 8378, MedGen C0085548, MeSH D017044, MONDO:0009889.

Allele frequency attached by ClinVar (database versions not stated): TOPMed 0.00001.

Submission:

Labcorp Genetics (formerly Invitae), Labcorp
Classification: Uncertain significance for Autosomal recessive polycystic kidney disease. Last evaluated: 2022-09-27. Review status: criteria provided, single submitter. Criteria: Invitae Variant Classification Sherloc (09022015). Collection method: clinical testing. Allele origin: germline.
Comment: This sequence change replaces aspartic acid, which is acidic and polar, with asparagine, which is neutral and polar, at codon 3613 of the PKHD1 protein (p.Asp3613Asn). This variant is not present in population databases (gnomAD no frequency). This variant has not been reported in the literature in individuals affected with PKHD1-related conditions. Advanced modeling of protein sequence and biophysical properties (such as structural, functional, and spatial information, amino acid conservation, physicochemical variation, residue mobility, and thermodynamic stability) performed at Invitae indicates that this missense variant is not expected to disrupt PKHD1 protein function. In summary, the available evidence is currently insufficient to determine the role of this variant in disease. Therefore, it has been classified as a Variant of Uncertain Significance.

NM_138694.4(PKHD1):c.10837G>A (p.Asp3613Asn)

Gene: PKHD1 (PKHD1 ciliary IPT domain containing fibrocystin/polyductin; minus strand). Cytogenetic location: 6p12.3.
Variant type: single nucleotide variant.
Coding change: c.10837G>A on transcript NM_138694.4 (MANE Select); coding-DNA position 10837, G replaced by A.
Protein change: p.Asp3613Asn; replaces aspartic acid 3613 with asparagine.
Molecular consequence: missense variant.
Genome position (GRCh38, 1-based): chr6:51,659,289, C>T on the plus strand (G>A on the coding strand, the complement: PKHD1 is on the minus strand). VCF-style: chr6-51659289-C-T. GRCh37 (hg19) VCF-style: chr6-51524087-C-T.
Other names: short protein forms D3613N.
Identifiers: ClinVar variation 1986341 (VCV001986341.3), dbSNP rs1772424670, ClinGen allele CA364431713.